The following is an entry in ClinVar:

ClinVar aggregate classification (germline): Uncertain significance (1 of 4 stars; one submission).

Conditions:
Werner syndrome (WRN). Identifiers: Orphanet 902, MedGen C0043119, MONDO:0010196, OMIM 277700.

Submission:

Labcorp Genetics (formerly Invitae), Labcorp
Classification: Uncertain significance for Werner syndrome. Last evaluated: 2024-01-14. Review status: criteria provided, single submitter. Criteria: Invitae Variant Classification Sherloc (09022015). Collection method: clinical testing. Allele origin: germline.
Comment: This sequence change falls in intron 8 of the WRN gene. It does not directly change the encoded amino acid sequence of the WRN protein. It affects a nucleotide within the consensus splice site. This variant is not present in population databases (gnomAD no frequency). This variant has not been reported in the literature in individuals affected with WRN-related conditions. Variants that disrupt the consensus splice site are a relatively common cause of aberrant splicing (PMID: 17576681, 9536098). Experimental studies and prediction algorithms are not available or were not evaluated, and the effect of this variant on mRNA splicing is currently unknown. In summary, the available evidence is currently insufficient to determine the role of this variant in disease. Therefore, it has been classified as a Variant of Uncertain Significance.

Literature cited by the submitters: PubMed 17576681; PubMed 9536098.

NM_000553.6(WRN):c.840-3_840-2insTTTTTTTTTTTTTTTTTTTTNNNNNNNNNNCCTCGTGATCCGCCCGCCTCGGCCTCCCAAAGTGCTGGGATTACAGGCGTGAGCCACCGCGCCCGGCCTCTTAATTTTTTTTTT

Gene: WRN (WRN RecQ like helicase; plus strand). Cytogenetic location: 8p12.
Variant type: Insertion.
Coding change: c.840-3_840-2insTTTTTTTTTTTTTTTTTTTTNNNNNNNNNNCCTCGTGATCCGCCCGCCTCGGCCTCCCAAAGTGCTGGGATTACAGGCGTGAGCCACCGCGCCCGGCCTCTTAATTTTTTTTTT on transcript NM_000553.6 (MANE Select); 3 bases into the intron before coding-DNA position 840 through the canonical splice acceptor site of the intron before coding-DNA position 840, TTTTTTTTTTTTTTTTTTTTNNNNNNNNNNCCTCGTGATCCGCCCGCCTCGGCCTCCCAAAGTGCTGGGATTACAGGCGTGAGCCACCGCGCCCGGCCTCTTAATTTTTTTTTT inserted.
Molecular consequence: intron variant.
Genome position: GRCh38: chr8:31,080,864-31,080,865. GRCh37 (hg19): chr8:30,938,380-30,938,381.
Identifiers: ClinVar variation 2709375 (VCV002709375.3), dbSNP rs2535909327.